The following is an entry in ClinVar:

NM_020795.4(NLGN2):c.461C>T (p.Pro154Leu)

Gene: NLGN2 (neuroligin 2; plus strand). Cytogenetic location: 17p13.1.
Variant type: single nucleotide variant.
Coding change: c.461C>T on transcript NM_020795.4 (MANE Select); coding-DNA position 461, C replaced by T.
Protein change: p.Pro154Leu; replaces proline 154 with leucine.
Molecular consequence: missense variant.
Genome position (GRCh38, 1-based): chr17:7,412,160, C>T. VCF-style: chr17-7412160-C-T. GRCh37 (hg19) VCF-style: chr17-7315479-C-T.
Other names: c.461C>T (NM_020795.2); short protein forms P154L.
Identifiers: ClinVar variation 2778657 (VCV002778657.4), dbSNP rs368402918, ClinGen allele CA397817004.

ClinVar aggregate classification (germline): Uncertain significance. Review status: criteria provided, multiple submitters, no conflicts (2 of 4 stars). 2 submissions from 2 submitters: Uncertain significance (2). Last evaluated 2024-04-10.

gnomAD v4.1: 7 of 1,607,716 alleles (0.00044%); highest among the groups gnomAD compares: African/African-American, 0.0014%; no homozygotes.

Submissions (2):

Labcorp Genetics (formerly Invitae), Labcorp
Classification: Uncertain significance. Last evaluated: 2024-04-10. Review status: criteria provided, single submitter. Criteria: Invitae Variant Classification Sherloc (09022015). Collection method: clinical testing. Allele origin: germline.
Comment: This sequence change replaces proline, which is neutral and non-polar, with leucine, which is neutral and non-polar, at codon 154 of the NLGN2 protein (p.Pro154Leu). This variant is present in population databases (no rsID available, gnomAD 0.01%). This variant has not been reported in the literature in individuals affected with NLGN2-related conditions. An algorithm developed to predict the effect of missense changes on protein structure and function (PolyPhen-2) suggests that this variant is likely to be tolerated. In summary, the available evidence is currently insufficient to determine the role of this variant in disease. Therefore, it has been classified as a Variant of Uncertain Significance.

Ambry Genetics
Classification: Uncertain significance. Last evaluated: 2024-04-09. Review status: criteria provided, single submitter. Criteria: Ambry Variant Classification Scheme 2023. Collection method: clinical testing. Allele origin: germline.